The following is an entry in ClinVar:

NM_001161403.3(LIMS2):c.130G>A (p.Ala44Thr)

Gene: LIMS2 (LIM zinc finger domain containing 2; minus strand). Cytogenetic location: 2q14.3.
Variant type: single nucleotide variant.
Coding change: c.130G>A on transcript NM_001161403.3 (MANE Select); coding-DNA position 130, G replaced by A.
Protein change: p.Ala44Thr; replaces alanine 44 with threonine.
Molecular consequence: missense variant.
Genome position (GRCh38, 1-based): chr2:127,657,444, C>T on the plus strand (G>A on the coding strand, the complement: LIMS2 is on the minus strand). VCF-style: chr2-127657444-C-T. GRCh37 (hg19) VCF-style: chr2-128415018-C-T.
Other names: c.202G>A (NM_017980.4); c.196G>A, p.Ala66Thr (NM_001136037.4); c.115G>A, p.Ala39Thr (NM_001161404.2); c.202G>A, p.Ala68Thr (NM_017980.5); short protein forms A68T, A39T, A44T, A66T.
Identifiers: ClinVar variation 1365586 (VCV001365586.9), dbSNP rs1296516266, ClinGen allele CA348412876.

ClinVar aggregate classification (germline): Uncertain significance. Review status: criteria provided, multiple submitters, no conflicts (2 of 4 stars). 2 submissions from 2 submitters: Uncertain significance (2). Last evaluated 2025-05-19.

Conditions:
Autosomal recessive limb-girdle muscular dystrophy type 2W (MDRCMTT). Also called: Muscular dystrophy, limb-girdle, type 2W; Muscular dystrophy, autosomal recessive, with cardiomyopathy and triangular tongue. Identifiers: MedGen C4225192, MONDO:0014788, OMIM 616827.

Allele frequency attached by ClinVar (database versions not stated): gnomAD exomes below 0.00001.

Submissions (2):

Ambry Genetics
Classification: Uncertain significance. Last evaluated: 2025-05-19. Review status: criteria provided, single submitter. Criteria: Ambry Variant Classification Scheme 2023. Collection method: clinical testing. Allele origin: germline.

Labcorp Genetics (formerly Invitae), Labcorp
Classification: Uncertain significance for Autosomal recessive limb-girdle muscular dystrophy type 2W. Last evaluated: 2021-04-21. Review status: criteria provided, single submitter. Criteria: Invitae Variant Classification Sherloc (09022015). Collection method: clinical testing. Allele origin: germline.
Comment: This variant is not present in population databases (ExAC no frequency). This sequence change replaces alanine with threonine at codon 66 of the LIMS2 protein (p.Ala66Thr). The alanine residue is highly conserved and there is a small physicochemical difference between alanine and threonine. In summary, the available evidence is currently insufficient to determine the role of this variant in disease. Therefore, it has been classified as a Variant of Uncertain Significance. Algorithms developed to predict the effect of missense changes on protein structure and function (SIFT, PolyPhen-2, Align-GVGD) all suggest that this variant is likely to be disruptive, but these predictions have not been confirmed by published functional studies and their clinical significance is uncertain. This variant has not been reported in the literature in individuals with LIMS2-related conditions.